The following is an entry in ClinVar:

NM_013266.4(CTNNA3):c.1022A>G (p.Asp341Gly)

Gene: CTNNA3 (catenin alpha 3; minus strand). Cytogenetic location: 10q21.3.
Variant type: single nucleotide variant.
Coding change: c.1022A>G on transcript NM_013266.4 (MANE Select); coding-DNA position 1022, A replaced by G.
Protein change: p.Asp341Gly; replaces aspartic acid 341 with glycine.
Molecular consequence: missense variant.
Genome position (GRCh38, 1-based): chr10:67,180,342, T>C on the plus strand (A>G on the coding strand, the complement: CTNNA3 is on the minus strand). VCF-style: chr10-67180342-T-C. GRCh37 (hg19) VCF-style: chr10-68940100-T-C.
Other names: c.1022A>G, p.Asp341Gly (NM_001127384.3); c.1058A>G, p.Asp353Gly (NM_001291133.2); short protein forms D341G, D353G.
Identifiers: ClinVar variation 3837202 (VCV003837202.1).
Genomic context (GRCh38, chr10:67,180,342, plus strand): 5'-GGGGCTAGGGATGGGAAGGCAAACCAGTCACCTACGTTGTTCATGTACTCTGAAAGCAGA[T>C]CCTGAAGAGCCTGGCGAATGGCGTTGCATTCTGCGATAATCCGCTCTCGGTGTAAGTCCC-3'
Protein context (NP_037398.2, residues 331-351): ECNAIRQALQ[Asp341Gly]LLSEYMNNAG

ClinVar aggregate classification (germline): Uncertain significance (1 of 4 stars; one submission).

Submission:

Ambry Genetics
Classification: Uncertain significance. Last evaluated: 2024-12-20. Review status: criteria provided, single submitter. Criteria: Ambry Variant Classification Scheme 2023. Collection method: clinical testing. Allele origin: germline.
Comment: The p.D341G variant (also known as c.1022A>G), located in coding exon 6 of the CTNNA3 gene, results from an A to G substitution at nucleotide position 1022. The aspartic acid at codon 341 is replaced by glycine, an amino acid with similar properties. This amino acid position is conserved. In addition, the in silico prediction for this alteration is inconclusive. Based on the available evidence, the clinical significance of this variant remains unclear.